The following is an entry in ClinVar:

ClinVar aggregate classification (germline): Uncertain significance (1 of 4 stars; one submission).

Allele frequency attached by ClinVar (database versions not stated): gnomAD exomes below 0.00001.
gnomAD v4.1: 1 of 1,614,124 alleles (0.000062%); highest among the groups gnomAD compares: Admixed American, 0.0017%; no homozygotes.

Submission:

Labcorp Genetics (formerly Invitae), Labcorp
Classification: Uncertain significance. Last evaluated: 2022-07-06. Review status: criteria provided, single submitter. Criteria: Invitae Variant Classification Sherloc (09022015). Collection method: clinical testing. Allele origin: germline.
Comment: In summary, the available evidence is currently insufficient to determine the role of this variant in disease. Therefore, it has been classified as a Variant of Uncertain Significance. Algorithms developed to predict the effect of missense changes on protein structure and function are either unavailable or do not agree on the potential impact of this missense change (SIFT: "Not Available"; PolyPhen-2: "Possibly Damaging"; Align-GVGD: "Not Available"). This variant has not been reported in the literature in individuals affected with VPS13D-related conditions. This variant is not present in population databases (gnomAD no frequency). This sequence change replaces proline, which is neutral and non-polar, with serine, which is neutral and polar, at codon 3202 of the VPS13D protein (p.Pro3202Ser).

NM_015378.4(VPS13D):c.9604C>T (p.Pro3202Ser)

Gene: VPS13D (vacuolar protein sorting 13 homolog D; plus strand). Cytogenetic location: 1p36.22.
Variant type: single nucleotide variant.
Coding change: c.9604C>T on transcript NM_015378.4 (MANE Select); coding-DNA position 9604, C replaced by T.
Protein change: p.Pro3202Ser; replaces proline 3202 with serine.
Molecular consequence: missense variant.
Genome position (GRCh38, 1-based): chr1:12,354,146, C>T. VCF-style: chr1-12354146-C-T. GRCh37 (hg19) VCF-style: chr1-12414203-C-T.
Other names: c.9529C>T, p.Pro3177Ser (NM_018156.4); short protein forms P3177S, P3202S.
Identifiers: ClinVar variation 1941625 (VCV001941625.3), dbSNP rs2524370317, ClinGen allele CA338494563.